The following is an entry in ClinVar:

ClinVar aggregate classification (germline): Uncertain significance (1 of 4 stars; one submission).

Conditions:
Mucopolysaccharidosis, MPS-III-C (MPS3C). Also called: SANFILIPPO SYNDROME C; MPS III C; Mucopolysaccharidosis type IIIC (Sanfilippo C); mucopolysaccharidosis type 3C; MUCOPOLYSACCHARIDOSIS, TYPE IIIC; MPS IIIC (Sanfilippo Syndrome Type C). Identifiers: Orphanet 581, Orphanet 79271, MedGen C0086649, MONDO:0009657, OMIM 252930.
Retinitis pigmentosa 73 (RP73). Identifiers: Orphanet 791, MedGen C4225287, MONDO:0014687, OMIM 616544.

gnomAD v4.1: 12 of 1,613,620 alleles (0.00074%); highest among the groups gnomAD compares: Admixed American, 0.0033%; no homozygotes.

Submission:

Labcorp Genetics (formerly Invitae), Labcorp
Classification: Uncertain significance for Retinitis pigmentosa 73; Mucopolysaccharidosis, MPS-III-C. Last evaluated: 2025-06-07. Review status: criteria provided, single submitter. Criteria: Invitae Variant Classification Sherloc (09022015). Collection method: clinical testing. Allele origin: germline.
Comment: This sequence change replaces tyrosine, which is neutral and polar, with cysteine, which is neutral and slightly polar, at codon 468 of the HGSNAT protein (p.Tyr468Cys). This variant is present in population databases (rs370314091, gnomAD 0.007%). This variant has not been reported in the literature in individuals affected with HGSNAT-related conditions. ClinVar contains an entry for this variant (Variation ID: 3762457). Invitae Evidence Modeling of protein sequence and biophysical properties (such as structural, functional, and spatial information, amino acid conservation, physicochemical variation, residue mobility, and thermodynamic stability) indicates that this missense variant is expected to disrupt HGSNAT protein function with a positive predictive value of 95%. In summary, the available evidence is currently insufficient to determine the role of this variant in disease. Therefore, it has been classified as a Variant of Uncertain Significance.

NM_152419.3(HGSNAT):c.1403A>G (p.Tyr468Cys)

Gene: HGSNAT (heparan-alpha-glucosaminide N-acetyltransferase; plus strand). Cytogenetic location: 8p11.21.
Variant type: single nucleotide variant.
Coding change: c.1403A>G on transcript NM_152419.3 (MANE Select); coding-DNA position 1403, A replaced by G.
Protein change: p.Tyr468Cys; replaces tyrosine 468 with cysteine.
Molecular consequence: missense variant.
Genome position (GRCh38, 1-based): chr8:43,193,782, A>G. VCF-style: chr8-43193782-A-G. GRCh37 (hg19) VCF-style: chr8-43048925-A-G.
Other names: c.1403A>G, p.Tyr468Cys (NM_001363227.2); c.1211A>G, p.Tyr404Cys (NM_001363228.2); c.539A>G, p.Tyr180Cys (NM_001363229.2); short protein forms Y180C, Y404C, Y468C.
Identifiers: ClinVar variation 3762457 (VCV003762457.2).